The following is an entry in ClinVar:

ClinVar aggregate classification (germline): Benign (1 of 4 stars; one submission).

Conditions:
Familial cancer of breast. Also called: BREAST CANCER, FAMILIAL; Hereditary breast cancer; hereditary breast carcinoma. Identifiers: Orphanet 227535, MedGen C0346153, MONDO:0016419, OMIM 114480. Disease mechanism: loss of function.

Submission:

Myriad Genetics, Inc.
Classification: Benign for Familial cancer of breast. Last evaluated: 2026-04-27. Review status: criteria provided, single submitter. Criteria: Myriad Autosomal Dominant, Autosomal Recessive and X-Linked Classification Criteria (2023). Collection method: clinical testing. Allele origin: unknown.
Comment: This variant is considered benign. This variant is a silent/synonymous amino acid change and it is not expected to impact splicing.

NM_000051.4(ATM):c.3996T>A (p.Ile1332=)

Gene: ATM (ATM serine/threonine kinase; plus strand). Cytogenetic location: 11q22.3.
Variant type: single nucleotide variant.
Coding change: c.3996T>A on transcript NM_000051.4 (MANE Select); coding-DNA position 3996, T replaced by A.
Protein change: p.Ile1332=; no amino-acid change (isoleucine 1332 retained).
Molecular consequence: synonymous variant.
Genome position (GRCh38, 1-based): chr11:108,287,602, T>A. VCF-style: chr11-108287602-T-A. GRCh37 (hg19) VCF-style: chr11-108158329-T-A.
Other names: c.3996T>A, p.Ile1332= (NM_001351834.2).
Identifiers: ClinVar variation 4876125 (VCV004876125.1).